The following is an entry in ClinVar:

NM_000163.5(GHR):c.748A>G (p.Thr250Ala)

Gene: GHR (growth hormone receptor; plus strand). Cytogenetic location: 5p12.
Variant type: single nucleotide variant.
Coding change: c.748A>G on transcript NM_000163.5 (MANE Select); coding-DNA position 748, A replaced by G.
Protein change: p.Thr250Ala; replaces threonine 250 with alanine.
Molecular consequence: missense variant.
Genome position (GRCh38, 1-based): chr5:42,711,336, A>G. VCF-style: chr5-42711336-A-G. GRCh37 (hg19) VCF-style: chr5-42711438-A-G.
Other names: c.748A>G, p.Thr250Ala (NM_001242406.2, NM_001242462.1, NM_001242400.2 and 5 more transcripts); c.682A>G, p.Thr228Ala (NM_001242460.2); c.769A>G, p.Thr257Ala (NM_001242399.2); short protein forms T250A, T228A, T257A.
Identifiers: ClinVar variation 2998146 (VCV002998146.3), dbSNP rs1360412514, ClinGen allele CA359696059.

ClinVar aggregate classification (germline): Uncertain significance (1 of 4 stars; one submission).

Allele frequency attached by ClinVar (database versions not stated): gnomAD exomes below 0.00001.
gnomAD v4.1: 3 of 1,613,268 alleles (0.00019%); highest among the groups gnomAD compares: Admixed American, 0.0017%; no homozygotes.

Submission:

Labcorp Genetics (formerly Invitae), Labcorp
Classification: Uncertain significance. Last evaluated: 2023-04-04. Review status: criteria provided, single submitter. Criteria: Invitae Variant Classification Sherloc (09022015). Collection method: clinical testing. Allele origin: germline.
Comment: This variant has not been reported in the literature in individuals affected with GHR-related conditions. Advanced modeling of protein sequence and biophysical properties (such as structural, functional, and spatial information, amino acid conservation, physicochemical variation, residue mobility, and thermodynamic stability) performed at Invitae indicates that this missense variant is not expected to disrupt GHR protein function. In summary, the available evidence is currently insufficient to determine the role of this variant in disease. Therefore, it has been classified as a Variant of Uncertain Significance. This sequence change replaces threonine, which is neutral and polar, with alanine, which is neutral and non-polar, at codon 250 of the GHR protein (p.Thr250Ala). This variant is present in population databases (no rsID available, gnomAD 0.006%).